The following is an entry in ClinVar:

ClinVar aggregate classification (germline): Uncertain significance (1 of 4 stars; one submission).

Conditions:
Inborn genetic diseases. Identifiers: MedGen C0950123, MeSH D030342.

Allele frequency attached by ClinVar (database versions not stated): ExAC 0.00001; gnomAD 0.00001; gnomAD exomes 0.00001; TOPMed 0.00001.
gnomAD v4.1: 9 of 1,611,310 alleles (0.00056%); highest among the groups gnomAD compares: Non-Finnish European, 0.00017%; no homozygotes.

Submission:

Ambry Genetics
Classification: Uncertain significance for Inborn genetic diseases. Last evaluated: 2017-12-18. Review status: criteria provided, single submitter. Criteria: Ambry Variant Classification Scheme 2023. Collection method: clinical testing. Allele origin: germline.
Comment: The p.K391N variant (also known as c.1173A>C), located in coding exon 4 of the LINS gene, results from an A to C substitution at nucleotide position 1173. The lysine at codon 391 is replaced by asparagine, an amino acid with similar properties. This amino acid position is well conserved in available vertebrate species. In addition, this alteration is predicted to be tolerated by in silico analysis. Since supporting evidence is limited at this time, the clinical significance of this alteration remains unclear.

NM_001040616.3(LINS1):c.1173A>C (p.Lys391Asn)

Gene: LINS1 (lines homolog 1; minus strand). Cytogenetic location: 15q26.3.
Variant type: single nucleotide variant.
Coding change: c.1173A>C on transcript NM_001040616.3 (MANE Select); coding-DNA position 1173, A replaced by C.
Protein change: p.Lys391Asn; replaces lysine 391 with asparagine.
Molecular consequence: missense variant. On other transcripts: non-coding transcript variant (3).
Genome position (GRCh38, 1-based): chr15:100,573,700, T>G on the plus strand (A>C on the coding strand, the complement: LINS1 is on the minus strand). VCF-style: chr15-100573700-T-G. GRCh37 (hg19) VCF-style: chr15-101113905-T-G.
Other names: c.426A>C, p.Lys142Asn (NM_001352507.2); c.1128A>C, p.Lys376Asn (NM_001352508.2); short protein forms K142N, K376N, K391N.
Identifiers: ClinVar variation 1800392 (VCV001800392.2), dbSNP rs759924307, ClinGen allele CA7759516.